The following is an entry in ClinVar:

NM_133497.4(KCNV2):c.1375G>T (p.Gly459Cys)

Gene: KCNV2 (potassium voltage-gated channel modifier subfamily V member 2; plus strand). Cytogenetic location: 9p24.2.
Variant type: single nucleotide variant.
Coding change: c.1375G>T on transcript NM_133497.4 (MANE Select); coding-DNA position 1375, G replaced by T.
Protein change: p.Gly459Cys; replaces glycine 459 with cysteine.
Molecular consequence: missense variant.
Genome position (GRCh38, 1-based): chr9:2,729,464, G>T. VCF-style: chr9-2729464-G-T. GRCh37 (hg19) VCF-style: chr9-2729464-G-T.
Other names: short protein forms G459C.
Identifiers: ClinVar variation 1944182 (VCV001944182.5), dbSNP rs1256529152, ClinGen allele CA372803324.

ClinVar aggregate classification (germline): Uncertain significance (1 of 4 stars; one submission).

Allele frequency attached by ClinVar (database versions not stated): gnomAD exomes below 0.00001; TOPMed 0.00001.

Submission:

Labcorp Genetics (formerly Invitae), Labcorp
Classification: Uncertain significance. Last evaluated: 2022-01-27. Review status: criteria provided, single submitter. Criteria: Invitae Variant Classification Sherloc (09022015). Collection method: clinical testing. Allele origin: germline.
Comment: This variant is present in population databases (no rsID available, gnomAD 0.007%). In summary, the available evidence is currently insufficient to determine the role of this variant in disease. Therefore, it has been classified as a Variant of Uncertain Significance. Algorithms developed to predict the effect of missense changes on protein structure and function are either unavailable or do not agree on the potential impact of this missense change (SIFT: "Deleterious"; PolyPhen-2: "Probably Damaging"; Align-GVGD: "Class C15"). This missense change has been observed in individual(s) with KCNV2-related conditions (PMID: 33309813). This sequence change replaces glycine, which is neutral and non-polar, with cysteine, which is neutral and slightly polar, at codon 459 of the KCNV2 protein (p.Gly459Cys).

Literature cited by the submitters: PubMed 33309813.